The following is an entry in ClinVar:

ClinVar aggregate classification (germline): Uncertain significance (1 of 4 stars; one submission).

Conditions:
RASopathy. Also called: Noonan spectrum disorder; rasopathies. Identifiers: Orphanet 536391, MedGen C5555857, MONDO:0021060.

gnomAD v4.1: 1 of 1,613,724 alleles (0.000062%); highest among the groups gnomAD compares: African/African-American, 0.0013%; no homozygotes.

Submission:

Labcorp Genetics (formerly Invitae), Labcorp
Classification: Uncertain significance for RASopathy. Last evaluated: 2026-02-01. Review status: criteria provided, single submitter. Criteria: Invitae Variant Classification Sherloc (09022015). Collection method: clinical testing. Allele origin: germline.
Comment: This sequence change replaces threonine, which is neutral and polar, with alanine, which is neutral and non-polar, at codon 402 of the SHOC2 protein (p.Thr402Ala). This variant is not present in population databases (gnomAD no frequency). This variant has not been reported in the literature in individuals affected with SHOC2-related conditions. Invitae Evidence Modeling of protein sequence and biophysical properties (such as structural, functional, and spatial information, amino acid conservation, physicochemical variation, residue mobility, and thermodynamic stability) indicates that this missense variant is not expected to disrupt SHOC2 protein function with a negative predictive value of 80%. In summary, the available evidence is currently insufficient to determine the role of this variant in disease. Therefore, it has been classified as a Variant of Uncertain Significance.

NM_007373.4(SHOC2):c.1204A>G (p.Thr402Ala)

Gene: SHOC2 (SHOC2 leucine rich repeat scaffold protein; plus strand). Cytogenetic location: 10q25.2.
Variant type: single nucleotide variant.
Coding change: c.1204A>G on transcript NM_007373.4 (MANE Select); coding-DNA position 1204, A replaced by G.
Protein change: p.Thr402Ala; replaces threonine 402 with alanine.
Molecular consequence: missense variant. On other transcripts: non-coding transcript variant (1).
Genome position (GRCh38, 1-based): chr10:111,007,573, A>G. VCF-style: chr10-111007573-A-G. GRCh37 (hg19) VCF-style: chr10-112767331-A-G.
Other names: c.1066A>G, p.Thr356Ala (NM_001269039.3, NM_001441186.1); c.1204A>G, p.Thr402Ala (NM_001324336.2, NM_001324337.2, NM_001441184.1 and 2 more transcripts); c.535A>G, p.Thr179Ala (NM_001441188.1); c.121A>G, p.Thr41Ala (NM_001441189.1, NM_001441190.1, NM_001441191.1); short protein forms T179A, T356A, T402A, T41A.
Identifiers: ClinVar variation 4741840 (VCV004741840.1).